The following is an entry in ClinVar:

NM_003126.4(SPTA1):c.5203C>A (p.Arg1735=)

Gene: SPTA1 (spectrin alpha, erythrocytic 1; minus strand). Cytogenetic location: 1q23.1.
Variant type: single nucleotide variant.
Coding change: c.5203C>A on transcript NM_003126.4 (MANE Select); coding-DNA position 5203, C replaced by A.
Protein change: p.Arg1735=; no amino-acid change (arginine 1735 retained).
Molecular consequence: synonymous variant.
Genome position (GRCh38, 1-based): chr1:158,636,748, G>T on the plus strand (C>A on the coding strand, the complement: SPTA1 is on the minus strand). VCF-style: chr1-158636748-G-T. GRCh37 (hg19) VCF-style: chr1-158606538-G-T.
Identifiers: ClinVar variation 3041541 (VCV003041541.4), dbSNP rs563827586, ClinGen allele CA1182385.

ClinVar aggregate classification (germline): Likely benign. Review status: criteria provided, single submitter (1 of 4 stars). 2 submissions from 2 submitters: Likely benign (1). 1 of the submissions does not count toward it. Last evaluated 2024-12-19.

Conditions:
SPTA1-related disorder. Also called: SPTA1-related condition; SPTA1-related disorders.

Allele frequency attached by ClinVar (database versions not stated): ExAC 0.00007; 1000 Genomes Project 0.00040; 1000 Genomes Project 30x 0.00047.

Submissions (2):

Labcorp Genetics (formerly Invitae), Labcorp
Classification: Likely benign. Last evaluated: 2024-12-19. Review status: criteria provided, single submitter. Criteria: Invitae Variant Classification Sherloc (09022015). Collection method: clinical testing. Allele origin: germline.

PreventionGenetics, part of Exact Sciences
Classification: Likely benign for SPTA1-related condition. Last evaluated: 2019-05-13. Review status: no assertion criteria provided. Collection method: clinical testing. Allele origin: germline. Not counted in ClinVar's aggregate classification.
Comment: This variant is classified as likely benign based on ACMG/AMP sequence variant interpretation guidelines (Richards et al. 2015 PMID: 25741868, with internal and published modifications).